The following is an entry in ClinVar:

NM_001105206.3(LAMA4):c.5381G>A (p.Arg1794His)

Gene: LAMA4 (laminin subunit alpha 4; minus strand). Cytogenetic location: 6q21.
Variant type: single nucleotide variant.
Coding change: c.5381G>A on transcript NM_001105206.3 (MANE Select); coding-DNA position 5381, G replaced by A.
Protein change: p.Arg1794His; replaces arginine 1794 with histidine.
Molecular consequence: missense variant.
Genome position (GRCh38, 1-based): chr6:112,109,528, C>T on the plus strand (G>A on the coding strand, the complement: LAMA4 is on the minus strand). VCF-style: chr6-112109528-C-T. GRCh37 (hg19) VCF-style: chr6-112430731-C-T.
Other names: c.5360G>A, p.Arg1787His (NM_001105207.3, NM_002290.5); short protein forms R1787H, R1794H.
Identifiers: ClinVar variation 3625830 (VCV003625830.3).

ClinVar aggregate classification (germline): Uncertain significance. Review status: criteria provided, multiple submitters, no conflicts (2 of 4 stars). 2 submissions from 2 submitters: Uncertain significance (2). Last evaluated 2025-08-23.

Conditions:
Cardiovascular phenotype. Identifiers: MedGen CN230736.
Dilated cardiomyopathy 1JJ (CMD1JJ). Identifiers: Orphanet 154, MedGen C3808935, MONDO:0014095, OMIM 615235.

gnomAD v4.1: 17 of 1,613,836 alleles (0.0011%); highest among the groups gnomAD compares: South Asian, 0.0066%; no homozygotes.

Submissions (2):

Ambry Genetics
Classification: Uncertain significance for Cardiovascular phenotype. Last evaluated: 2025-08-23. Review status: criteria provided, single submitter. Criteria: Ambry Variant Classification Scheme 2023. Collection method: clinical testing. Allele origin: germline.

Labcorp Genetics (formerly Invitae), Labcorp
Classification: Uncertain significance for Dilated cardiomyopathy 1JJ. Last evaluated: 2025-01-23. Review status: criteria provided, single submitter. Criteria: Invitae Variant Classification Sherloc (09022015). Collection method: clinical testing. Allele origin: germline.
Comment: This sequence change replaces arginine, which is basic and polar, with histidine, which is basic and polar, at codon 1787 of the LAMA4 protein (p.Arg1787His). This variant is present in population databases (rs782780328, gnomAD 0.006%). This variant has not been reported in the literature in individuals affected with LAMA4-related conditions. Invitae Evidence Modeling of protein sequence and biophysical properties (such as structural, functional, and spatial information, amino acid conservation, physicochemical variation, residue mobility, and thermodynamic stability) indicates that this missense variant is expected to disrupt LAMA4 protein function with a positive predictive value of 80%. In summary, the available evidence is currently insufficient to determine the role of this variant in disease. Therefore, it has been classified as a Variant of Uncertain Significance.